The following is an entry in ClinVar:

ClinVar aggregate classification (germline): Uncertain significance. Review status: criteria provided, multiple submitters, no conflicts (2 of 4 stars). 2 submissions from 2 submitters: Uncertain significance (2). Last evaluated 2024-03-05.

Allele frequency attached by ClinVar (database versions not stated): gnomAD exomes 0.00001; TOPMed 0.00003; ExAC 0.00004; gnomAD 0.00002.

Submissions (2):

Ambry Genetics
Classification: Uncertain significance. Last evaluated: 2024-03-05. Review status: criteria provided, single submitter. Criteria: Ambry Variant Classification Scheme 2023. Collection method: clinical testing. Allele origin: germline.

Labcorp Genetics (formerly Invitae), Labcorp
Classification: Uncertain significance. Last evaluated: 2022-05-12. Review status: criteria provided, single submitter. Criteria: Invitae Variant Classification Sherloc (09022015). Collection method: clinical testing. Allele origin: germline.
Comment: This variant has not been reported in the literature in individuals affected with MOCS3-related conditions. In summary, the available evidence is currently insufficient to determine the role of this variant in disease. Therefore, it has been classified as a Variant of Uncertain Significance. Algorithms developed to predict the effect of missense changes on protein structure and function output the following: SIFT: "Tolerated"; PolyPhen-2: "Benign"; Align-GVGD: "Class C0". The alanine amino acid residue is found in multiple mammalian species, which suggests that this missense change does not adversely affect protein function. This variant is present in population databases (rs751059424, gnomAD 0.07%), and has an allele count higher than expected for a pathogenic variant. This sequence change replaces serine, which is neutral and polar, with alanine, which is neutral and non-polar, at codon 347 of the MOCS3 protein (p.Ser347Ala).

NM_014484.5(MOCS3):c.1039T>G (p.Ser347Ala)

Gene: MOCS3 (molybdenum cofactor synthesis 3; plus strand). Cytogenetic location: 20q13.13.
Variant type: single nucleotide variant.
Coding change: c.1039T>G on transcript NM_014484.5 (MANE Select); coding-DNA position 1039, T replaced by G.
Protein change: p.Ser347Ala; replaces serine 347 with alanine.
Molecular consequence: missense variant.
Genome position (GRCh38, 1-based): chr20:50,959,881, T>G. VCF-style: chr20-50959881-T-G. GRCh37 (hg19) VCF-style: chr20-49576418-T-G.
Other names: c.1039T>G (NM_014484.3); short protein forms S347A.
Identifiers: ClinVar variation 2060402 (VCV002060402.5), dbSNP rs751059424, ClinGen allele CA9909525.